The following is an entry in ClinVar:

NM_005732.4(RAD50):c.3353del (p.Asn1118fs)

Gene: RAD50 (RAD50 double strand break repair protein; plus strand). Cytogenetic location: 5q31.1.
Variant type: Deletion.
Coding change: c.3353del on transcript NM_005732.4 (MANE Select); coding-DNA position 3353, one base deleted (A; older notation c.3353delA).
Protein change: p.Asn1118fs; shifts the reading frame from asparagine 1118.
Molecular consequence: frameshift variant.
Genome position (GRCh38, 1-based): chr5:132,618,258, A deleted; the last of 2 consecutive A bases (chr5:132,618,257-132,618,258); deleting either gives the same sequence. VCF-style (leftmost placement, unchanged base first): chr5-132618256-GA-G. GRCh37 (hg19) VCF-style: chr5-131953948-GA-G.
Other names: short protein forms N1118fs.
Identifiers: ClinVar variation 457446 (VCV000457446.8), dbSNP rs1554099888, ClinGen allele CA658657536.

ClinVar aggregate classification (germline): Pathogenic/Likely pathogenic. Review status: criteria provided, multiple submitters, no conflicts (2 of 4 stars). 2 submissions from 2 submitters: Pathogenic (1); Likely pathogenic (1). Last evaluated 2022-04-01.

Conditions:
Hereditary cancer-predisposing syndrome. Also called: Neoplastic Syndromes, Hereditary; Tumor predisposition; Hereditary Cancer Syndrome; Hereditary neoplastic syndrome. Identifiers: Orphanet 140162, MedGen C0027672, MeSH D009386, MONDO:0015356.
Nijmegen breakage syndrome-like disorder (NBSLD). Also called: MICROCEPHALY AND SPONTANEOUS CHROMOSOME INSTABILITY WITHOUT IMMUNODEFICIENCY; NBS-LIKE DISORDER; RAD50 DEFICIENCY. Identifiers: Orphanet 240760, MedGen C2751318, MONDO:0013118, OMIM 613078.

Submissions (2):

Baylor Genetics
Classification: Likely pathogenic for Nijmegen breakage syndrome-like disorder. Last evaluated: 2022-04-01. Review status: criteria provided, single submitter. Criteria: ACMG Guidelines, 2015. Collection method: clinical testing. Allele origin: unknown.

Labcorp Genetics (formerly Invitae), Labcorp
Classification: Pathogenic for Hereditary cancer-predisposing syndrome. Last evaluated: 2021-09-29. Review status: criteria provided, single submitter. Criteria: Invitae Variant Classification Sherloc (09022015). Collection method: clinical testing. Allele origin: germline.
Comment: ClinVar contains an entry for this variant (Variation ID: 457446). This sequence change creates a premature translational stop signal (p.Asn1118Thrfs*15) in the RAD50 gene. It is expected to result in an absent or disrupted protein product. Loss-of-function variants in RAD50 are known to be pathogenic (PMID: 19409520). This variant is not present in population databases (ExAC no frequency). This variant has not been reported in the literature in individuals affected with RAD50-related conditions. For these reasons, this variant has been classified as Pathogenic.

Literature cited by the submitters: PubMed 19409520 (cited by Labcorp Genetics (formerly Invitae), Labcorp).